The following is an entry in ClinVar:

ClinVar aggregate classification (germline): Benign. Review status: criteria provided, multiple submitters, no conflicts (2 of 4 stars). 4 submissions from 4 submitters: Benign (3). 1 of the submissions does not count toward it. Last evaluated 2018-06-26.

Conditions:
Aromatase deficiency. Also called: Increased aromatase activity; PSEUDOHERMAPHRODITISM, FEMALE, DUE TO PLACENTAL AROMATASE DEFICIENCY. Identifiers: Orphanet 91, MedGen C1960539, MONDO:0013301, OMIM 613546.

Allele frequency attached by ClinVar (database versions not stated): 1000 Genomes Project 30x 0.66255; 1000 Genomes Project 0.66434; gnomAD exomes 0.67192 and 0.70105; TOPMed 0.68846; gnomAD 0.70224 and 0.70442; ExAC 0.71215.
gnomAD v4.1: 527,583 of 752,108 alleles (70%); highest among the groups gnomAD compares: Non-Finnish European, 74%; 187,141 homozygotes.

Submissions (4):

GeneDx
Classification: Benign. Last evaluated: 2018-06-26. Review status: criteria provided, single submitter. Criteria: GeneDx Variant Classification Process June 2021. Collection method: clinical testing. Allele origin: germline. Affected: yes.

Illumina Laboratory Services, Illumina
Classification: Benign for Aromatase deficiency. Last evaluated: 2018-01-13. Review status: criteria provided, single submitter. Criteria: ICSL Variant Classification Criteria 13 December 2019. Collection method: clinical testing. Allele origin: germline.
Comment: This variant was observed in the ICSL laboratory as part of a predisposition screen in an ostensibly healthy population. It had not been previously curated by ICSL or reported in the Human Gene Mutation Database (HGMD: prior to June 1st, 2018), and was therefore a candidate for classification through an automated scoring system. Utilizing variant allele frequency, disease prevalence and penetrance estimates, and inheritance mode, an automated score was calculated to assess if this variant is too frequent to cause the disease. Based on the score and internal cut-off values, a variant classified as benign is not then subjected to further curation. The score for this variant resulted in a classification of benign for this disease.

Breakthrough Genomics
Classification: Benign. Review status: criteria provided, single submitter. Criteria: ACMG Guidelines, 2015. Collection method: not provided. Allele origin: germline. Inheritance: Unknown mechanism. Affected: yes.

Natera, Inc.
Classification: Benign for Aromatase deficiency. Last evaluated: 2019-12-06. Review status: no assertion criteria provided. Collection method: clinical testing. Allele origin: germline. Not counted in ClinVar's aggregate classification.

NM_000103.4(CYP19A1):c.*161T>G

Genes: CYP19A1 (cytochrome P450 family 19 subfamily A member 1; minus strand), PIRC66 (piwi-interacting RNA cluster 66; plus strand), MIR4713HG (MIR4713 host gene; plus strand). Cytogenetic location: 15q21.2.
Variant type: single nucleotide variant.
Coding change: c.*161T>G on transcript NM_000103.4 (MANE Select); 161 bases downstream of the stop codon, T replaced by G.
Molecular consequence: 3 prime UTR variant.
Genome position (GRCh38, 1-based): chr15:51,210,647, A>C on the plus strand (T>G on the coding strand, the complement: CYP19A1 is on the minus strand). VCF-style: chr15-51210647-A-C. GRCh37 (hg19) VCF-style: chr15-51502844-A-C.
Other names: c.*161T>G (NM_001347248.1, NM_001347249.2, NM_001347250.2 and 7 more transcripts).
Identifiers: ClinVar variation 316467 (VCV000316467.21), dbSNP rs4646, ClinGen allele CA7559743.
Genomic context (GRCh38, chr15:51,210,647, plus strand): 5'-TCTTGGCCTCTGCTTTTTCTCTTGTAGCCTGGTTCTCTGGTGTGAACAGGAGCAGATGAC[A>C]AATAGCACCTAGCTTGGTGACAACCCATAGGAGGTATGCCTATAAAATGCCATGGGCCAC-3'